The following is an entry in ClinVar:

NM_001267550.2(TTN):c.31149G>A (p.Glu10383=)

Gene: TTN (titin; minus strand). Cytogenetic location: 2q31.2.
Variant type: single nucleotide variant.
Coding change: c.31149G>A on transcript NM_001267550.2 (MANE Select); coding-DNA position 31149, G replaced by A.
Protein change: p.Glu10383=; no amino-acid change (glutamic acid 10383 retained).
Molecular consequence: synonymous variant. On other transcripts: intron variant (3).
Genome position (GRCh38, 1-based): chr2:178,695,923, C>T on the plus strand (G>A on the coding strand, the complement: TTN is on the minus strand). VCF-style: chr2-178695923-C-T. GRCh37 (hg19) VCF-style: chr2-179560650-C-T.
Other names: c.30198G>A, p.Glu10066= (NM_001256850.1); c.13282+42159G>A (NM_003319.4); c.13858+42159G>A (NM_133437.4); c.13657+42159G>A (NM_133432.3); c.27417G>A, p.Glu9139= (NM_133378.4).
Identifiers: ClinVar variation 179229 (VCV000179229.14), dbSNP rs727504724, ClinGen allele CA184006.

ClinVar aggregate classification (germline): Likely benign. Review status: criteria provided, multiple submitters, no conflicts (2 of 4 stars). 2 submissions from 2 submitters: Likely benign (2). Last evaluated 2025-08-13.

Conditions:
Dilated cardiomyopathy 1G (CMD1G). Identifiers: Orphanet 154, MedGen C1858763, MONDO:0011400, OMIM 604145.
Autosomal recessive limb-girdle muscular dystrophy type 2J (LGMDR10). Also called: Limb-girdle muscular dystrophy, type 2J; MUSCULAR DYSTROPHY, LIMB-GIRDLE, AUTOSOMAL RECESSIVE 10. Identifiers: Orphanet 140922, MedGen C1837342, MONDO:0012127, OMIM 608807.

Allele frequency attached by ClinVar (database versions not stated): TOPMed below 0.00001.
gnomAD v4.1: 4 of 1,491,224 alleles (0.00027%); highest among the groups gnomAD compares: South Asian, 0.0014%; no homozygotes.

Submissions (2):

Labcorp Genetics (formerly Invitae), Labcorp
Classification: Likely benign for Dilated cardiomyopathy 1G; Autosomal recessive limb-girdle muscular dystrophy type 2J. Last evaluated: 2025-08-13. Review status: criteria provided, single submitter. Criteria: Invitae Variant Classification Sherloc (09022015). Collection method: clinical testing. Allele origin: germline.

Laboratory for Molecular Medicine, Mass General Brigham Personalized Medicine
Classification: Likely benign. Last evaluated: 2013-08-13. Review status: criteria provided, single submitter. Criteria: LMM Criteria. Collection method: clinical testing. Allele origin: germline. Observed: 1 variant allele.
Comment: Glu9139Glu in exon 111 of TTN: This variant is not expected to have clinical sig nificance because it does not alter an amino acid residue and is not located wit hin the splice consensus sequence. Glu9139Glu in exon 111 of TTN: (allele frequ ency = n/a)